The following is an entry in ClinVar:

ClinVar aggregate classification (germline): Likely benign. Review status: criteria provided, single submitter (1 of 4 stars). 2 submissions from 2 submitters: Likely benign (1). 1 of the submissions does not count toward it. Last evaluated 2026-01-12.

Conditions:
VPS53-related disorder. Also called: VPS53-related condition.

Allele frequency attached by ClinVar (database versions not stated): TOPMed 0.00014; gnomAD 0.00017 and 0.00019; gnomAD exomes 0.00018 and 0.00048; ExAC 0.00024; ESP Exome Variant Server 0.00044.
gnomAD v4.1: 685 of 1,551,530 alleles (0.044%); highest among the groups gnomAD compares: Non-Finnish European, 0.058%; no homozygotes.

Submissions (2):

Labcorp Genetics (formerly Invitae), Labcorp
Classification: Likely benign. Last evaluated: 2026-01-12. Review status: criteria provided, single submitter. Criteria: Invitae Variant Classification Sherloc (09022015). Collection method: clinical testing. Allele origin: germline.

PreventionGenetics, part of Exact Sciences
Classification: Likely benign for VPS53-related condition. Last evaluated: 2019-07-12. Review status: no assertion criteria provided. Collection method: clinical testing. Allele origin: germline. Not counted in ClinVar's aggregate classification.
Comment: This variant is classified as likely benign based on ACMG/AMP sequence variant interpretation guidelines (Richards et al. 2015 PMID: 25741868, with internal and published modifications).

NM_001128159.3(VPS53):c.2304C>G (p.Thr768=)

Gene: VPS53 (VPS53 subunit of GARP complex; minus strand). Cytogenetic location: 17p13.3.
Variant type: single nucleotide variant.
Coding change: c.2304C>G on transcript NM_001128159.3 (MANE Select); coding-DNA position 2304, C replaced by G.
Protein change: p.Thr768=; no amino-acid change (threonine 768 retained).
Molecular consequence: synonymous variant.
Genome position (GRCh38, 1-based): chr17:519,850, G>C on the plus strand (C>G on the coding strand, the complement: VPS53 is on the minus strand). VCF-style: chr17-519850-G-C. GRCh37 (hg19) VCF-style: chr17-423090-G-C.
Identifiers: ClinVar variation 760887 (VCV000760887.9), dbSNP rs374400243, ClinGen allele CA8261153.